The following is an entry in ClinVar:

NM_025114.4(CEP290):c.5101T>C (p.Ser1701Pro)

Gene: CEP290 (centrosomal protein 290; minus strand). Cytogenetic location: 12q21.32.
Variant type: single nucleotide variant.
Coding change: c.5101T>C on transcript NM_025114.4 (MANE Select); coding-DNA position 5101, T replaced by C.
Protein change: p.Ser1701Pro; replaces serine 1701 with proline.
Molecular consequence: missense variant.
Genome position (GRCh38, 1-based): chr12:88,080,307, A>G on the plus strand (T>C on the coding strand, the complement: CEP290 is on the minus strand). VCF-style: chr12-88080307-A-G. GRCh37 (hg19) VCF-style: chr12-88474084-A-G.
Other names: short protein forms S1701P.
Identifiers: ClinVar variation 2013668 (VCV002013668.4), dbSNP rs2499911141, ClinGen allele CA385991328.

ClinVar aggregate classification (germline): Uncertain significance (1 of 4 stars; one submission).

Conditions:
Joubert syndrome. Also called: CEREBELLOPARENCHYMAL DISORDER IV; JOUBERT-BOLTSHAUSER SYNDROME; Familial aplasia of the vermis. Identifiers: Orphanet 475, MedGen C5979921, MONDO:0018772.
Meckel-Gruber syndrome. Also called: DYSENCEPHALIA SPLANCHNOCYSTICA; GRUBER SYNDROME; Dysencephalia splachnocystica. Identifiers: Orphanet 564, MedGen C0265215, MONDO:0018921.
Nephronophthisis. Also called: Juvenile Nephronophthisis. Identifiers: Orphanet 655, MedGen C0687120, MONDO:0019005, HP:0000090.

Allele frequency attached by ClinVar (database versions not stated): gnomAD exomes below 0.00001.
gnomAD v4.1: 4 of 1,613,102 alleles (0.00025%); highest among the groups gnomAD compares: Non-Finnish European, 0.00034%; no homozygotes.

Submission:

Labcorp Genetics (formerly Invitae), Labcorp
Classification: Uncertain significance for Joubert syndrome; Meckel-Gruber syndrome; Nephronophthisis. Last evaluated: 2022-07-03. Review status: criteria provided, single submitter. Criteria: Invitae Variant Classification Sherloc (09022015). Collection method: clinical testing. Allele origin: germline.
Comment: This variant is not present in population databases (gnomAD no frequency). This sequence change replaces serine, which is neutral and polar, with proline, which is neutral and non-polar, at codon 1701 of the CEP290 protein (p.Ser1701Pro). This variant has not been reported in the literature in individuals affected with CEP290-related conditions. In summary, the available evidence is currently insufficient to determine the role of this variant in disease. Therefore, it has been classified as a Variant of Uncertain Significance. Algorithms developed to predict the effect of missense changes on protein structure and function (SIFT, PolyPhen-2, Align-GVGD) all suggest that this variant is likely to be tolerated.